The following is an entry in ClinVar:

NM_004208.4(AIFM1):c.101T>C (p.Leu34Pro)

Genes: RAB33A (RAB33A, member RAS oncogene family; plus strand), AIFM1 (apoptosis inducing factor mitochondria associated 1; minus strand), LOC130068679 (ATAC-STARR-seq lymphoblastoid active region 29939; plus strand). Cytogenetic location: Xq26.1.
Variant type: single nucleotide variant.
Coding change: c.101T>C on transcript NM_004208.4 (MANE Select); coding-DNA position 101, T replaced by C.
Protein change: p.Leu34Pro; replaces leucine 34 with proline.
Molecular consequence: missense variant. On other transcripts: non-coding transcript variant (1).
Genome position (GRCh38, 1-based): chrX:130,165,556, A>G on the plus strand (T>C on the coding strand, the complement: AIFM1 is on the minus strand). VCF-style: chrX-130165556-A-G. GRCh37 (hg19) VCF-style: chrX-129299530-A-G.
Other names: c.101T>C, p.Leu34Pro (NM_001130847.4, NM_145812.3); short protein forms L34P.
Identifiers: ClinVar variation 1310387 (VCV001310387.3), dbSNP rs2124682352, ClinGen allele CA414564749.
Genomic context (GRCh38, chrX:130,165,556, plus strand): 5'-GAGCCTAAGGCGCCAGGCCCTCGGACTTGGAGGTTGCCTGGAATGGGTCAGTCACCTGGG[A>G]GCCGGTTCCTCTGCCTCGGGCTTCGGACGCACACGGTCCGCACCAAGGGCACCAGCTTCT-3'
Protein context (NP_004199.1, residues 24-44): CVRSPRQRNR[Leu34Pro]PGNLFQRWHV

ClinVar aggregate classification (germline): Uncertain significance (1 of 4 stars; one submission).

Submission:

GeneDx
Classification: Uncertain significance. Last evaluated: 2023-11-06. Review status: criteria provided, single submitter. Criteria: GeneDx Variant Classification Process June 2021. Collection method: clinical testing. Allele origin: germline. Affected: yes.
Comment: Not observed in large population cohorts (gnomAD); In silico analysis supports that this missense variant does not alter protein structure/function; Has not been previously published as pathogenic or benign to our knowledge